The following is an entry in ClinVar:

NM_005026.5(PIK3CD):c.1072G>C (p.Val358Leu)

Genes: PIK3CD (phosphatidylinositol-4,5-bisphosphate 3-kinase catalytic subunit delta; plus strand), LOC126805612 (MED14-independent group 3 enhancer GRCh37_chr1:9778914-9780113; plus strand). Cytogenetic location: 1p36.22.
Variant type: single nucleotide variant.
Coding change: c.1072G>C on transcript NM_005026.5 (MANE Select); coding-DNA position 1072, G replaced by C.
Protein change: p.Val358Leu; replaces valine 358 with leucine.
Molecular consequence: missense variant.
Genome position (GRCh38, 1-based): chr1:9,718,745, G>C. VCF-style: chr1-9718745-G-C. GRCh37 (hg19) VCF-style: chr1-9778803-G-C.
Other names: c.1072G>C, p.Val358Leu (NM_001350234.2); c.985G>C, p.Val329Leu (NM_001350235.1); short protein forms V329L, V358L.
Identifiers: ClinVar variation 1024241 (VCV001024241.9), dbSNP rs763569477, ClinGen allele CA338302042.

ClinVar aggregate classification (germline): Uncertain significance (1 of 4 stars; one submission).

Conditions:
Immunodeficiency 14 (IMD14A). Also called: ACTIVATED PI3K-DELTA SYNDROME 1; IMMUNODEFICIENCY 14A WITH LYMPHOPROLIFERATION, AUTOSOMAL DOMINANT; Activated PI3K Delta Syndrome Type 1 (APDS1); p110-DELTA-ACTIVATING MUTATION CAUSING SENESCENT T CELLS, LYMPHADENOPATHY, AND IMMUNODEFICIENCY. Identifiers: Orphanet 397596, Orphanet 693661, MedGen C5907821, MONDO:0014222, OMIM 615513.

Submission:

Labcorp Genetics (formerly Invitae), Labcorp
Classification: Uncertain significance for Activated PI3K-delta syndrome. Last evaluated: 2024-10-16. Review status: criteria provided, single submitter. Criteria: Invitae Variant Classification Sherloc (09022015). Collection method: clinical testing. Allele origin: germline.
Comment: This sequence change replaces valine, which is neutral and non-polar, with leucine, which is neutral and non-polar, at codon 358 of the PIK3CD protein (p.Val358Leu). This variant is not present in population databases (gnomAD no frequency). This variant has not been reported in the literature in individuals affected with PIK3CD-related conditions. ClinVar contains an entry for this variant (Variation ID: 1024241). Invitae Evidence Modeling of protein sequence and biophysical properties (such as structural, functional, and spatial information, amino acid conservation, physicochemical variation, residue mobility, and thermodynamic stability) indicates that this missense variant is not expected to disrupt PIK3CD protein function with a negative predictive value of 80%. In summary, the available evidence is currently insufficient to determine the role of this variant in disease. Therefore, it has been classified as a Variant of Uncertain Significance.